The following is an entry in ClinVar:

NM_024422.6(DSC2):c.11C>T (p.Ala4Val)

Genes: DSC2 (desmocollin 2; minus strand), DSCAS (DSC1/DSC2 antisense RNA; plus strand). Cytogenetic location: 18q12.1.
Variant type: single nucleotide variant.
Coding change: c.11C>T on transcript NM_024422.6 (MANE Select); coding-DNA position 11, C replaced by T.
Protein change: p.Ala4Val; replaces alanine 4 with valine.
Molecular consequence: missense variant.
Genome position (GRCh38, 1-based): chr18:31,101,961, G>A on the plus strand (C>T on the coding strand, the complement: DSC2 is on the minus strand). VCF-style: chr18-31101961-G-A. GRCh37 (hg19) VCF-style: chr18-28681924-G-A.
Other names: c.11C>T, p.Ala4Val (NM_004949.5); short protein forms A4V.
Identifiers: ClinVar variation 2500547 (VCV002500547.2), dbSNP rs1196096745, ClinGen allele CA402115312.

ClinVar aggregate classification (germline): Uncertain significance. Review status: criteria provided, multiple submitters, no conflicts (2 of 4 stars). 2 submissions from 2 submitters: Uncertain significance (2). Last evaluated 2025-09-04.

Conditions:
Arrhythmogenic right ventricular dysplasia 11. Also called: Arrhythmogenic Right Ventricular Dysplasia/Cardiomyopathy11; ARRHYTHMOGENIC RIGHT VENTRICULAR DYSPLASIA, FAMILIAL, 11; Arrhythmogenic right ventricular dysplasia 11 with mild palmoplantar keratoderma and woolly hair. Identifiers: MedGen C1864850, MONDO:0012506, OMIM 610476.

gnomAD v4.1: 1 of 1,525,854 alleles (0.000066%); highest among the groups gnomAD compares: Non-Finnish European, 0.000088%; no homozygotes.

Submissions (2):

Labcorp Genetics (formerly Invitae), Labcorp
Classification: Uncertain significance for Arrhythmogenic right ventricular dysplasia 11. Last evaluated: 2025-09-04. Review status: criteria provided, single submitter. Criteria: Invitae Variant Classification Sherloc (09022015). Collection method: clinical testing. Allele origin: germline.
Comment: This sequence change replaces alanine, which is neutral and non-polar, with valine, which is neutral and non-polar, at codon 4 of the DSC2 protein (p.Ala4Val). This variant is not present in population databases (gnomAD no frequency). This variant has not been reported in the literature in individuals affected with DSC2-related conditions. ClinVar contains an entry for this variant (Variation ID: 2500547). An algorithm developed to predict the effect of missense changes on protein structure and function outputs the following: PolyPhen-2: "Benign". The valine amino acid residue is found in multiple mammalian species, which suggests that this missense change does not adversely affect protein function. In summary, the available evidence is currently insufficient to determine the role of this variant in disease. Therefore, it has been classified as a Variant of Uncertain Significance.

GeneDx
Classification: Uncertain significance. Last evaluated: 2022-10-30. Review status: criteria provided, single submitter. Criteria: GeneDx Variant Classification Process June 2021. Collection method: clinical testing. Allele origin: germline. Affected: yes.
Comment: Not observed at significant frequency in large population cohorts (gnomAD); In silico analysis supports that this missense variant does not alter protein structure/function; Has not been previously published as pathogenic or benign to our knowledge